The following is an entry in ClinVar:

NM_138694.4(PKHD1):c.3604G>A (p.Glu1202Lys)

Gene: PKHD1 (PKHD1 ciliary IPT domain containing fibrocystin/polyductin; minus strand). Cytogenetic location: 6p12.2.
Variant type: single nucleotide variant.
Coding change: c.3604G>A on transcript NM_138694.4 (MANE Select); coding-DNA position 3604, G replaced by A.
Protein change: p.Glu1202Lys; replaces glutamic acid 1202 with lysine.
Molecular consequence: missense variant.
Genome position (GRCh38, 1-based): chr6:52,027,853, C>T on the plus strand (G>A on the coding strand, the complement: PKHD1 is on the minus strand). VCF-style: chr6-52027853-C-T. GRCh37 (hg19) VCF-style: chr6-51892651-C-T.
Other names: c.3604G>A, p.Glu1202Lys (NM_170724.3); c.3604G>A (NM_138694.3); short protein forms E1202K.
Identifiers: ClinVar variation 288729 (VCV000288729.8), dbSNP rs554956088, ClinGen allele CA3852892.

ClinVar aggregate classification (germline): Uncertain significance. Review status: criteria provided, multiple submitters, no conflicts (2 of 4 stars). 3 submissions from 3 submitters: Uncertain significance (3). Last evaluated 2024-01-23.

Conditions:
Polycystic kidney disease 4 (PKD4). Also called: POLYCYSTIC KIDNEY AND HEPATIC DISEASE 1; POLYCYSTIC KIDNEY DISEASE, INFANTILE, TYPE I; PKD3; POLYCYSTIC KIDNEY DISEASE 4 WITH OR WITHOUT POLYCYSTIC LIVER DISEASE; Autosomal Recessive Polycystic Kidney Disease – PKHD1. Identifiers: MedGen C4540575, MONDO:0033004, OMIM 263200.

Allele frequency attached by ClinVar (database versions not stated): gnomAD exomes 0.00004 and 0.00001; gnomAD 0.00003 and 0.00002; ExAC 0.00004; TOPMed below 0.00001; 1000 Genomes Project 30x 0.00016; 1000 Genomes Project 0.00020.
gnomAD v4.1: 17 of 1,613,396 alleles (0.0011%); highest among the groups gnomAD compares: East Asian, 0.027%; no homozygotes.

Submissions (3):

Fulgent Genetics
Classification: Uncertain significance for Polycystic kidney disease 4. Last evaluated: 2024-01-23. Review status: criteria provided, single submitter. Criteria: ACMG Guidelines, 2015. Collection method: clinical testing. Allele origin: germline.

GeneDx
Classification: Uncertain significance. Last evaluated: 2023-09-29. Review status: criteria provided, single submitter. Criteria: GeneDx Variant Classification Process June 2021. Collection method: clinical testing. Allele origin: germline.
Comment: Reported in a patient with polycystic kidney disease in published literature (Melchionda et al., 2016); clinical information is limited; In silico analysis supports that this missense variant does not alter protein structure/function; This variant is associated with the following publications: (PMID: 28493804, 27225849)

Eurofins Ntd Llc (ga)
Classification: Uncertain significance. Last evaluated: 2016-06-10. Review status: criteria provided, single submitter. Criteria: EGL Classification Definitions 2015. Collection method: clinical testing. Allele origin: germline. Observed: 1 variant allele, 1 heterozygote.